The following is an entry in ClinVar:

ClinVar aggregate classification (germline): Uncertain significance (1 of 4 stars; one submission).

Allele frequency attached by ClinVar (database versions not stated): gnomAD exomes below 0.00001.
gnomAD v4.1: 2 of 1,613,802 alleles (0.00012%); highest among the groups gnomAD compares: Non-Finnish European, 0.00017%; no homozygotes.

Submission:

Labcorp Genetics (formerly Invitae), Labcorp
Classification: Uncertain significance. Last evaluated: 2024-10-24. Review status: criteria provided, single submitter. Criteria: Invitae Variant Classification Sherloc (09022015). Collection method: clinical testing. Allele origin: germline.
Comment: This sequence change falls in intron 24 of the TBCK gene. It does not directly change the encoded amino acid sequence of the TBCK protein. It affects a nucleotide within the consensus splice site. This variant is not present in population databases (gnomAD no frequency). This variant has not been reported in the literature in individuals affected with TBCK-related conditions. ClinVar contains an entry for this variant (Variation ID: 2024040). Variants that disrupt the consensus splice site are a relatively common cause of aberrant splicing (PMID: 17576681, 9536098). Algorithms developed to predict the effect of sequence changes on RNA splicing suggest that this variant may disrupt the consensus splice site. In summary, the available evidence is currently insufficient to determine the role of this variant in disease. Therefore, it has been classified as a Variant of Uncertain Significance.

Literature cited by the submitters: PubMed 17576681; PubMed 9536098.

NM_001163435.3(TBCK):c.2411+3A>G

Gene: TBCK (TBC1 domain containing kinase; minus strand). Cytogenetic location: 4q24.
Variant type: single nucleotide variant.
Coding change: c.2411+3A>G on transcript NM_001163435.3 (MANE Select); 3 bases into the intron after coding-DNA position 2411, A replaced by G.
Molecular consequence: intron variant.
Genome position (GRCh38, 1-based): chr4:106,116,200, T>C on the plus strand (A>G on the coding strand, the complement: TBCK is on the minus strand). VCF-style: chr4-106116200-T-C. GRCh37 (hg19) VCF-style: chr4-107037357-T-C.
Other names: c.2411+3A>G (NM_001163436.4); c.2222+3A>G (NM_033115.5); c.2294+3A>G (NM_001163437.3); c.1895+3A>G (NM_001290768.2).
Identifiers: ClinVar variation 2024040 (VCV002024040.4), dbSNP rs2476093135, ClinGen allele CA2580071308.
Genomic context (GRCh38, chr4:106,116,200, plus strand): 5'-AAATGAAAGGATGCAATACAAATAAGCAGTACCACCCTTTAAAACAGCATATGCAAAGGA[T>C]ACTCTTCACTATTCCGGATGTCAACCACCAGGAGCTTTGGTTTACTGGACTTTGTTTTCT-3'